The following is an entry in ClinVar:

NM_004727.3(SLC24A1):c.1893G>A (p.Pro631=)

Gene: SLC24A1 (solute carrier family 24 member 1; plus strand). Cytogenetic location: 15q22.31.
Variant type: single nucleotide variant.
Coding change: c.1893G>A on transcript NM_004727.3 (MANE Select); coding-DNA position 1893, G replaced by A.
Protein change: p.Pro631=; no amino-acid change (proline 631 retained).
Molecular consequence: synonymous variant. On other transcripts: intron variant (2).
Genome position (GRCh38, 1-based): chr15:65,638,130, G>A. VCF-style: chr15-65638130-G-A. GRCh37 (hg19) VCF-style: chr15-65930468-G-A.
Other names: c.1893G>A, p.Pro631= (NM_001301031.1); c.1891-1465G>A (NM_001301033.2, NM_001301032.1); c.1893G>A (NM_004727.2).
Identifiers: ClinVar variation 1115170 (VCV001115170.12), dbSNP rs111274272, ClinGen allele CA7620007.

ClinVar aggregate classification (germline): Likely benign. Review status: criteria provided, multiple submitters, no conflicts (2 of 4 stars). 3 submissions from 3 submitters: Likely benign (2). 1 of the submissions does not count toward it. Last evaluated 2025-12-15.

Conditions:
SLC24A1-related disorder. Also called: SLC24A1-related condition.

Allele frequency attached by ClinVar (database versions not stated): 1000 Genomes Project 30x 0.00016; gnomAD exomes 0.00019; 1000 Genomes Project 0.00020; gnomAD 0.00021 and 0.00022; ExAC 0.00025; TOPMed 0.00025.
gnomAD v4.1: 412 of 1,608,700 alleles (0.026%); highest among the groups gnomAD compares: Non-Finnish European, 0.03%; no homozygotes.

Submissions (3):

Labcorp Genetics (formerly Invitae), Labcorp
Classification: Likely benign. Last evaluated: 2025-12-15. Review status: criteria provided, single submitter. Criteria: Invitae Variant Classification Sherloc (09022015). Collection method: clinical testing. Allele origin: germline.

Blueprint Genetics
Classification: Likely benign. Last evaluated: 2024-11-25. Review status: criteria provided, single submitter. Criteria: ACMG Guidelines, 2015. Collection method: clinical testing. Allele origin: germline.

PreventionGenetics, part of Exact Sciences
Classification: Likely benign for SLC24A1-related condition. Last evaluated: 2019-03-25. Review status: no assertion criteria provided. Collection method: clinical testing. Allele origin: germline. Not counted in ClinVar's aggregate classification.
Comment: This variant is classified as likely benign based on ACMG/AMP sequence variant interpretation guidelines (Richards et al. 2015 PMID: 25741868, with internal and published modifications).